The following is an entry in ClinVar:

ClinVar aggregate classification (germline): Uncertain significance (1 of 4 stars; one submission).

Conditions:
TRRAP-related disorder. Also called: TRRAP-related condition.

Submission:

PreventionGenetics, part of Exact Sciences
Classification: Uncertain significance for TRRAP-related condition. Last evaluated: 2026-04-03. Review status: criteria provided, single submitter. Criteria: ACMG Guidelines, 2015. Collection method: clinical testing. Allele origin: germline.
Comment: The TRRAP c.3379G>C variant is predicted to result in the amino acid substitution p.Gly1127Arg. To our knowledge, this variant has not been reported in the literature or in a large population database (gnomAD), indicating this variant is rare. At this time, the clinical significance of this variant is uncertain due to the absence of conclusive functional and genetic evidence.

NM_001375524.1(TRRAP):c.3379G>C (p.Gly1127Arg)

Gene: TRRAP (transformation/transcription domain associated protein; plus strand). Cytogenetic location: 7q22.1.
Variant type: single nucleotide variant.
Coding change: c.3379G>C on transcript NM_001375524.1 (MANE Select); coding-DNA position 3379, G replaced by C.
Protein change: p.Gly1127Arg; replaces glycine 1127 with arginine.
Molecular consequence: missense variant.
Genome position (GRCh38, 1-based): chr7:98,930,192, G>C. VCF-style: chr7-98930192-G-C. GRCh37 (hg19) VCF-style: chr7-98527815-G-C.
Other names: c.3379G>C, p.Gly1127Arg (NM_001244580.2, NM_003496.4); short protein forms G1127R.
Identifiers: ClinVar variation 4992023 (VCV004992023.1).